The following is an entry in ClinVar:

ClinVar aggregate classification (germline): Uncertain significance (1 of 4 stars; one submission).

Conditions:
Inborn genetic diseases. Identifiers: MedGen C0950123, MeSH D030342.

Allele frequency attached by ClinVar (database versions not stated): gnomAD exomes below 0.00001.
gnomAD v4.1: 2 of 1,614,116 alleles (0.00012%); highest among the groups gnomAD compares: Non-Finnish European, 0.00017%; no homozygotes.

Submission:

Ambry Genetics
Classification: Uncertain significance for Inborn genetic diseases. Last evaluated: 2024-03-08. Review status: criteria provided, single submitter. Criteria: Ambry Variant Classification Scheme 2023. Collection method: clinical testing. Allele origin: germline.
Comment: The p.A624T variant (also known as c.1870G>A), located in coding exon 12 of the EPAS1 gene, results from a G to A substitution at nucleotide position 1870. The alanine at codon 624 is replaced by threonine, an amino acid with similar properties. This amino acid position is conserved. In addition, this alteration is predicted to be tolerated by in silico analysis. Based on the available evidence, the clinical significance of this alteration remains unclear.

NM_001430.5(EPAS1):c.1870G>A (p.Ala624Thr)

Gene: EPAS1 (endothelial PAS domain protein 1; plus strand). Cytogenetic location: 2p21.
Variant type: single nucleotide variant.
Coding change: c.1870G>A on transcript NM_001430.5 (MANE Select); coding-DNA position 1870, G replaced by A.
Protein change: p.Ala624Thr; replaces alanine 624 with threonine.
Molecular consequence: missense variant.
Genome position (GRCh38, 1-based): chr2:46,380,542, G>A. VCF-style: chr2-46380542-G-A. GRCh37 (hg19) VCF-style: chr2-46607681-G-A.
Other names: short protein forms A624T.
Identifiers: ClinVar variation 3221578 (VCV003221578.1), dbSNP rs2546477460, ClinGen allele CA346705055.